The following is an entry in ClinVar:

NM_024529.5(CDC73):c.805C>A (p.Pro269Thr)

Gene: CDC73 (cell division cycle 73; plus strand). Cytogenetic location: 1q31.2.
Variant type: single nucleotide variant.
Coding change: c.805C>A on transcript NM_024529.5 (MANE Select); coding-DNA position 805, C replaced by A.
Protein change: p.Pro269Thr; replaces proline 269 with threonine.
Molecular consequence: missense variant.
Genome position (GRCh38, 1-based): chr1:193,147,942, C>A. VCF-style: chr1-193147942-C-A. GRCh37 (hg19) VCF-style: chr1-193117072-C-A.
Other names: short protein forms P269T.
Identifiers: ClinVar variation 848213 (VCV000848213.7), dbSNP rs1572158663, ClinGen allele CA343964150.

ClinVar aggregate classification (germline): Uncertain significance (1 of 4 stars; one submission).

Conditions:
Parathyroid carcinoma (PRTC). Also called: Parathyroid gland carcinoma; CDC73-Related Parathyroid Carcinoma. Identifiers: Orphanet 143, MedGen C0687150, MONDO:0012004, OMIM 608266, HP:0006780.

Submission:

Labcorp Genetics (formerly Invitae), Labcorp
Classification: Uncertain significance for Parathyroid carcinoma. Last evaluated: 2025-06-27. Review status: criteria provided, single submitter. Criteria: Invitae Variant Classification Sherloc (09022015). Collection method: clinical testing. Allele origin: germline.
Comment: This sequence change replaces proline, which is neutral and non-polar, with threonine, which is neutral and polar, at codon 269 of the CDC73 protein (p.Pro269Thr). This variant is not present in population databases (gnomAD no frequency). This variant has not been reported in the literature in individuals affected with CDC73-related conditions. ClinVar contains an entry for this variant (Variation ID: 848213). Invitae Evidence Modeling of protein sequence and biophysical properties (such as structural, functional, and spatial information, amino acid conservation, physicochemical variation, residue mobility, and thermodynamic stability) indicates that this missense variant is not expected to disrupt CDC73 protein function with a negative predictive value of 80%. In summary, the available evidence is currently insufficient to determine the role of this variant in disease. Therefore, it has been classified as a Variant of Uncertain Significance.